The following is an entry in ClinVar:

NM_006236.3(POU3F3):c.721G>A (p.Gly241Ser)

Gene: POU3F3 (POU class 3 homeobox 3; plus strand). Cytogenetic location: 2q12.1.
Variant type: single nucleotide variant.
Coding change: c.721G>A on transcript NM_006236.3 (MANE Select); coding-DNA position 721, G replaced by A.
Protein change: p.Gly241Ser; replaces glycine 241 with serine.
Molecular consequence: missense variant.
Genome position (GRCh38, 1-based): chr2:104,856,231, G>A. VCF-style: chr2-104856231-G-A. GRCh37 (hg19) VCF-style: chr2-105472689-G-A.
Other names: short protein forms G241S.
Identifiers: ClinVar variation 2236285 (VCV002236285.4), dbSNP rs1676565039, ClinGen allele CA348097356.

ClinVar aggregate classification (germline): Uncertain significance. Review status: criteria provided, multiple submitters, no conflicts (2 of 4 stars). 2 submissions from 2 submitters: Uncertain significance (2). Last evaluated 2025-10-16.

Conditions:
Complex neurodevelopmental disorder. Identifiers: Orphanet 528084, MedGen C5568766, MONDO:0100038.
Inborn genetic diseases. Identifiers: MedGen C0950123, MeSH D030342.

Allele frequency attached by ClinVar (database versions not stated): gnomAD 0.00001.

Submissions (2):

Dasa
Classification: Uncertain significance for Complex neurodevelopmental disorder. Last evaluated: 2025-10-16. Review status: criteria provided, single submitter. Criteria: DASA Assertion Criteria. Collection method: clinical testing. Allele origin: germline.
Comment: NM_006236.3(POU3F3):c.721G>A (p.Gly241Ser) is a missense variant that results in the substitution of glycine with serine. This variant is rare in population databases. The currently available literature and clinical evidence are not sufficient to establish a definitive association between this variant and the reported condition. Therefore, this variant is classified as a variant of uncertain significance.

Ambry Genetics
Classification: Uncertain significance for Inborn genetic diseases. Last evaluated: 2021-07-09. Review status: criteria provided, single submitter. Criteria: Ambry Variant Classification Scheme 2023. Collection method: clinical testing. Allele origin: germline.